The following is an entry in ClinVar:

NM_000059.4(BRCA2):c.10023C>A (p.Asp3341Glu)

Gene: BRCA2 (BRCA2 DNA repair associated; plus strand). Cytogenetic location: 13q13.1.
Variant type: single nucleotide variant.
Coding change: c.10023C>A on transcript NM_000059.4 (MANE Select); coding-DNA position 10023, C replaced by A.
Protein change: p.Asp3341Glu; replaces aspartic acid 3341 with glutamic acid.
Molecular consequence: missense variant.
Genome position (GRCh38, 1-based): chr13:32,398,536, C>A. VCF-style: chr13-32398536-C-A. GRCh37 (hg19) VCF-style: chr13-32972673-C-A.
Other names: short protein forms D3341E.
Identifiers: ClinVar variation 409605 (VCV000409605.13), dbSNP rs113507014, ClinGen allele CA6941463.

ClinVar aggregate classification (germline): Uncertain significance. Review status: criteria provided, multiple submitters, no conflicts (2 of 4 stars). 2 submissions from 2 submitters: Uncertain significance (2). Last evaluated 2026-01-26.

Conditions:
Hereditary breast ovarian cancer syndrome. Also called: Hereditary breast and ovarian cancer; Hereditary breast and/or ovarian cancer syndrome; BRCA1- and BRCA2-Associated Hereditary Breast and Ovarian Cancer; Hereditary breast and ovarian cancer syndrome; Hereditary breast and ovarian cancer syndrome (HBOC); Breast and ovarian cancer. Identifiers: Orphanet 145, MedGen C0677776, MeSH D061325, MONDO:0003582. Disease mechanism: loss of function.
Hereditary cancer-predisposing syndrome. Also called: Tumor predisposition; Hereditary Cancer Syndrome; Hereditary neoplastic syndrome; Neoplastic Syndromes, Hereditary. Identifiers: Orphanet 140162, MedGen C0027672, MeSH D009386, MONDO:0015356.

Allele frequency attached by ClinVar (database versions not stated): 1000 Genomes Project 0.00020; 1000 Genomes Project 30x 0.00031.
gnomAD v4.1: 5 of 1,614,124 alleles (0.00031%); highest among the groups gnomAD compares: Admixed American, 0.0083%; no homozygotes.

Submissions (2):

Labcorp Genetics (formerly Invitae), Labcorp
Classification: Uncertain significance for Hereditary breast ovarian cancer syndrome. Last evaluated: 2026-01-26. Review status: criteria provided, single submitter. Criteria: Invitae Variant Classification Sherloc (09022015). Collection method: clinical testing. Allele origin: germline.
Comment: This sequence change replaces aspartic acid, which is acidic and polar, with glutamic acid, which is acidic and polar, at codon 3341 of the BRCA2 protein (p.Asp3341Glu). This variant is present in population databases (rs113507014, gnomAD 0.01%). This variant has not been reported in the literature in individuals affected with BRCA2-related conditions. ClinVar contains an entry for this variant (Variation ID: 409605). Invitae Evidence Modeling of protein sequence and biophysical properties (such as structural, functional, and spatial information, amino acid conservation, physicochemical variation, residue mobility, and thermodynamic stability) indicates that this missense variant is not expected to disrupt BRCA2 protein function with a negative predictive value of 95%. In summary, the available evidence is currently insufficient to determine the role of this variant in disease. Therefore, it has been classified as a Variant of Uncertain Significance.

Ambry Genetics
Classification: Uncertain significance for Hereditary cancer-predisposing syndrome. Last evaluated: 2022-08-31. Review status: criteria provided, single submitter. Criteria: Ambry Variant Classification Scheme 2023. Collection method: clinical testing. Allele origin: germline.
Comment: The p.D3341E variant (also known as c.10023C>A), located in coding exon 26 of the BRCA2 gene, results from a C to A substitution at nucleotide position 10023. The aspartic acid at codon 3341 is replaced by glutamic acid, an amino acid with highly similar properties. This amino acid position is highly conserved in available vertebrate species. In addition, this alteration is predicted to be tolerated by in silico analysis. Since supporting evidence is limited at this time, the clinical significance of this alteration remains unclear.